The following is an entry in ClinVar:

NM_031935.3(HMCN1):c.10989+4A>C

Gene: HMCN1 (hemicentin 1; plus strand). Cytogenetic location: 1q31.1.
Variant type: single nucleotide variant.
Coding change: c.10989+4A>C on transcript NM_031935.3 (MANE Select); 4 bases into the intron after coding-DNA position 10989, A replaced by C.
Molecular consequence: intron variant.
Genome position (GRCh38, 1-based): chr1:186,108,601, A>C. VCF-style: chr1-186108601-A-C. GRCh37 (hg19) VCF-style: chr1-186077733-A-C.
Identifiers: ClinVar variation 2133512 (VCV002133512.4), dbSNP rs1318849855, ClinGen allele CA527684261.

ClinVar aggregate classification (germline): Uncertain significance (1 of 4 stars; one submission).

Allele frequency attached by ClinVar (database versions not stated): TOPMed below 0.00001; gnomAD exomes below 0.00001.
gnomAD v4.1: 1 of 1,614,118 alleles (0.000062%); highest among the groups gnomAD compares: Admixed American, 0.0017%; no homozygotes.

Submission:

Labcorp Genetics (formerly Invitae), Labcorp
Classification: Uncertain significance. Last evaluated: 2025-07-24. Review status: criteria provided, single submitter. Criteria: Invitae Variant Classification Sherloc (09022015). Collection method: clinical testing. Allele origin: germline.
Comment: This sequence change falls in intron 71 of the HMCN1 gene. It does not directly change the encoded amino acid sequence of the HMCN1 protein. It affects a nucleotide within the consensus splice site. This variant is present in population databases (no rsID available, gnomAD 0.003%). This variant has not been reported in the literature in individuals affected with HMCN1-related conditions. ClinVar contains an entry for this variant (Variation ID: 2133512). Variants that disrupt the consensus splice site are a relatively common cause of aberrant splicing (PMID: 17576681, 9536098). Algorithms developed to predict the effect of sequence changes on RNA splicing suggest that this variant is not likely to affect RNA splicing. In summary, the available evidence is currently insufficient to determine the role of this variant in disease. Therefore, it has been classified as a Variant of Uncertain Significance.

Literature cited by the submitters: PubMed 17576681; PubMed 9536098.